The following is an entry in ClinVar:

NM_017649.5(CNNM2):c.892_894del (p.Glu298del)

Gene: CNNM2 (cyclin and CBS domain divalent metal cation transport mediator 2; plus strand). Cytogenetic location: 10q24.32.
Variant type: Deletion.
Coding change: c.892_894del on transcript NM_017649.5 (MANE Select); coding-DNA positions 892 to 894, 3 bases deleted (GAG; older notation c.892_894delGAG).
Protein change: p.Glu298del; deletes glutamic acid 298.
Genome position (GRCh38, 1-based): chr10:102,919,372-102,919,374, GAG deleted; deleting any 3 consecutive bases within chr10:102,919,370-102,919,374 gives the same sequence; the c. name uses the placement nearest the transcript's 3' end. VCF-style (leftmost placement, unchanged base first): chr10-102919369-AAGG-A. GRCh37 (hg19) VCF-style: chr10-104679126-AAGG-A.
Other names: c.892_894del, p.Glu298del (NM_199076.3, NM_199077.3); short protein forms E298del.
Identifiers: ClinVar variation 3730927 (VCV003730927.2).

ClinVar aggregate classification (germline): Uncertain significance. Review status: criteria provided, multiple submitters, no conflicts (2 of 4 stars). 2 submissions from 2 submitters: Uncertain significance (2). Last evaluated 2025-05-11.

Conditions:
Renal hypomagnesemia 6. Identifiers: Orphanet 34527, MedGen C3151295, MONDO:0013480, OMIM 613882.

Submissions (2):

3billion
Classification: Uncertain significance for Renal hypomagnesemia 6. Last evaluated: 2025-05-11. Review status: criteria provided, single submitter. Criteria: ACMG Guidelines, 2015. Collection method: clinical testing. Allele origin: germline. Affected: yes.
Comment: The variant is not observed in the gnomAD v4.1.0 dataset. Predicted Consequence/Location: Inframe deletion located in a nonrepeat region: predicted to change the length of the protein and disrupt normal protein function. The variant has been reported as of uncertain significance (ClinVar ID: VCV003730927; PMID: 36368352; 3billion dataset). Therefore, this variant is classified as VUS according to the recommendation of ACMG/AMP guideline.

GeneDx
Classification: Uncertain significance. Last evaluated: 2024-08-17. Review status: criteria provided, single submitter. Criteria: GeneDx Variant Classification Process June 2021. Collection method: clinical testing. Allele origin: germline. Affected: yes.
Comment: Previously reported in an individual with global developmental delay, macrocephaly, febrile seizures, and dysmorphic facies; the variant was inherited from the father, who was mosaic (PMID: 36368352); In silico analysis supports a deleterious effect on protein structure/function; In-frame deletion of 1 amino acids in a non-repeat region; Not observed at significant frequency in large population cohorts (gnomAD); This variant is associated with the following publications: (PMID: 36368352)